The following is an entry in ClinVar:

ClinVar aggregate classification (germline): Likely benign. Review status: criteria provided, multiple submitters, no conflicts (2 of 4 stars). 2 submissions from 2 submitters: Likely benign (2). Last evaluated 2025-06-01.

gnomAD v4.1: 21 of 1,610,486 alleles (0.0013%); highest among the groups gnomAD compares: Admixed American, 0.0017%; no homozygotes.

Submissions (2):

CeGaT Center for Human Genetics Tuebingen
Classification: Likely benign. Last evaluated: 2025-06-01. Review status: criteria provided, single submitter. Criteria: CeGaT Center For Human Genetics Tuebingen Variant Classification Criteria Version 2. Collection method: clinical testing. Allele origin: germline. Affected: yes. Observed: 1 variant allele.
Comment: NIPAL4: BP4, BP7

Labcorp Genetics (formerly Invitae), Labcorp
Classification: Likely benign. Last evaluated: 2025-02-11. Review status: criteria provided, single submitter. Criteria: Invitae Variant Classification Sherloc (09022015). Collection method: clinical testing. Allele origin: germline.

NM_001099287.2(NIPAL4):c.390C>T (p.Val130=)

Gene: NIPAL4 (NIPA like domain containing 4; plus strand). Cytogenetic location: 5q33.3.
Variant type: single nucleotide variant.
Coding change: c.390C>T on transcript NM_001099287.2 (MANE Select); coding-DNA position 390, C replaced by T.
Protein change: p.Val130=; no amino-acid change (valine 130 retained).
Molecular consequence: synonymous variant.
Genome position (GRCh38, 1-based): chr5:157,468,777, C>T. VCF-style: chr5-157468777-C-T. GRCh37 (hg19) VCF-style: chr5-156895785-C-T.
Other names: c.333C>T, p.Val111= (NM_001172292.2).
Identifiers: ClinVar variation 3905068 (VCV003905068.11).